The following is an entry in ClinVar:

NM_000455.5(STK11):c.767A>G (p.Glu256Gly)

Gene: STK11 (serine/threonine kinase 11; plus strand). Cytogenetic location: 19p13.3.
Variant type: single nucleotide variant.
Coding change: c.767A>G on transcript NM_000455.5 (MANE Select); coding-DNA position 767, A replaced by G.
Protein change: p.Glu256Gly; replaces glutamic acid 256 with glycine.
Molecular consequence: missense variant. On other transcripts: non-coding transcript variant (1).
Genome position (GRCh38, 1-based): chr19:1,221,245, A>G. VCF-style: chr19-1221245-A-G. GRCh37 (hg19) VCF-style: chr19-1221244-A-G.
Other names: c.767A>G, p.Glu256Gly (NM_001407255.1); short protein forms E256G.
Identifiers: ClinVar variation 4865209 (VCV004865209.1).

ClinVar aggregate classification (germline): Uncertain significance (1 of 4 stars; one submission).

Conditions:
Hereditary cancer-predisposing syndrome. Also called: Neoplastic Syndromes, Hereditary; Tumor predisposition; Hereditary Cancer Syndrome; Hereditary neoplastic syndrome. Identifiers: Orphanet 140162, MedGen C0027672, MeSH D009386, MONDO:0015356.

Submission:

Ambry Genetics
Classification: Uncertain significance for Hereditary cancer-predisposing syndrome. Last evaluated: 2026-04-26. Review status: criteria provided, single submitter. Criteria: Ambry Variant Classification Scheme 2023. Collection method: clinical testing. Allele origin: germline.
Comment: The p.E256G variant (also known as c.767A>G), located in coding exon 6 of the STK11 gene, results from an A to G substitution at nucleotide position 767. The glutamic acid at codon 256 is replaced by glycine, an amino acid with similar properties. This amino acid position is conserved. In addition, the in silico prediction for this alteration is inconclusive. Based on the available evidence, the clinical significance of this variant remains unclear.